The following is an entry in ClinVar:

ClinVar aggregate classification (germline): Likely pathogenic (1 of 4 stars; one submission).

Conditions:
Mucopolysaccharidosis, MPS-IV-B (MPS4B). Also called: MORQUIO SYNDROME B; Mucopolysaccharidosis type 4B; Mucopolysaccharidosis type IVB (Morquio); MPS IVB; Mucopolysaccharidosis type IV B; Mucopolysaccharidosis Type IVB. Identifiers: Orphanet 309310, Orphanet 582, MedGen C0086652, MONDO:0009660, OMIM 253010.

Submission:

Natera, Inc.
Classification: Likely pathogenic for Mucopolysaccharidosis, MPS-IV-B. Last evaluated: 2024-08-16. Review status: criteria provided, single submitter. Criteria: Natera Variant Classification Schema (03/2026). Collection method: clinical testing. Allele origin: germline.
Comment: The c.479del variant in GLB1 is a frameshift variant predicted to shift the reading frame beginning at codon 160 and leads to a stop codon 10 codons downstream. This variant is expected to result in nonsense mediated decay, truncation, or a dysfunctional protein product. This variant is rare in the general population with a frequency below the threshold expected for the associated phenotype(s). Given the available evidence, this variant is classified as Likely Pathogenic.

NM_000404.4(GLB1):c.479del (p.Lys160fs)

Gene: GLB1 (galactosidase beta 1; minus strand). Cytogenetic location: 3p22.3.
Variant type: Deletion.
Coding change: c.479del on transcript NM_000404.4 (MANE Select); coding-DNA position 479, one base deleted (A; older notation c.479delA).
Protein change: p.Lys160fs; shifts the reading frame from lysine 160.
Molecular consequence: frameshift variant.
Genome position (GRCh38, 1-based): chr3:33,065,536, T deleted on the plus strand (A on the coding strand, the reverse complement: GLB1 is on the minus strand); the first of 2 consecutive T bases (chr3:33,065,536-33,065,537); deleting either gives the same sequence. VCF-style (leftmost placement, unchanged base first): chr3-33065535-CT-C. GRCh37 (hg19) VCF-style: chr3-33107027-CT-C.
Other names: c.389del, p.Lys130fs (NM_001079811.3); c.267del, p.Val90fs (NM_001135602.3); c.623del, p.Lys208fs (NM_001317040.2); c.479del, p.Lys160fs (NM_001393580.1); short protein forms K130fs, K160fs, K208fs, V90fs.
Identifiers: ClinVar variation 4818321 (VCV004818321.1).